The following is an entry in ClinVar:

ClinVar aggregate classification (germline): Likely benign. Review status: criteria provided, multiple submitters, no conflicts (2 of 4 stars). 4 submissions from 4 submitters: Likely benign (4). Last evaluated 2026-05-12.

Conditions:
Dilated cardiomyopathy 1G (CMD1G). Identifiers: Orphanet 154, MedGen C1858763, MONDO:0011400, OMIM 604145.
Autosomal recessive limb-girdle muscular dystrophy type 2J (LGMDR10). Also called: Limb-girdle muscular dystrophy, type 2J; MUSCULAR DYSTROPHY, LIMB-GIRDLE, AUTOSOMAL RECESSIVE 10. Identifiers: Orphanet 140922, MedGen C1837342, MONDO:0012127, OMIM 608807.
Cardiovascular phenotype. Identifiers: MedGen CN230736.

Allele frequency attached by ClinVar (database versions not stated): gnomAD exomes below 0.00001 and 0.00001; gnomAD 0.00001; TOPMed 0.00001.
gnomAD v4.1: 14 of 1,612,974 alleles (0.00087%); highest among the groups gnomAD compares: Non-Finnish European, 0.00017%; no homozygotes.

Submissions (4):

Ambry Genetics
Classification: Likely benign for Cardiovascular phenotype. Last evaluated: 2026-05-12. Review status: criteria provided, single submitter. Criteria: Ambry Variant Classification Scheme 2023. Collection method: clinical testing. Allele origin: germline.

Labcorp Genetics (formerly Invitae), Labcorp
Classification: Likely benign for Dilated cardiomyopathy 1G; Autosomal recessive limb-girdle muscular dystrophy type 2J. Last evaluated: 2025-12-13. Review status: criteria provided, single submitter. Criteria: Invitae Variant Classification Sherloc (09022015). Collection method: clinical testing. Allele origin: germline.

Women's Health and Genetics/Laboratory Corporation of America, LabCorp
Classification: Likely benign. Last evaluated: 2021-10-11. Review status: criteria provided, single submitter. Criteria: LabCorp Variant Classification Summary - May 2015. Collection method: clinical testing. Allele origin: germline.
Comment: Variant summary: TTN c.63318T>C alters a conserved nucleotide resulting in a synonymous change. 4/4 computational tools predict no significant impact on normal splicing. However, these predictions have yet to be confirmed by functional studies. The variant allele was found at a frequency of 4e-06 in 247650 control chromosomes. The available data on variant occurrences in the general population are insufficient to allow any conclusion about variant significance. To our knowledge, no occurrence of c.63318T>C in individuals affected with Dilated Cardiomyopathy and no experimental evidence demonstrating its impact on protein function have been reported. Two clinical diagnostic laboratories have submitted clinical-significance assessments for this variant to ClinVar after 2014 without evidence for independent evaluation. All laboratories classified the variant as benign/likely benign. Based on the evidence outlined above, the variant was classified as likely benign.

GeneDx
Classification: Likely benign. Last evaluated: 2019-03-20. Review status: criteria provided, single submitter. Criteria: GeneDx Variant Classification Process June 2021. Collection method: clinical testing. Allele origin: germline. Affected: yes.

NM_001267550.2(TTN):c.71022T>C (p.Leu23674=)

Genes: TTN (titin; minus strand), TTN-AS1 (TTN antisense RNA 1; plus strand). Cytogenetic location: 2q31.2.
Variant type: single nucleotide variant.
Coding change: c.71022T>C on transcript NM_001267550.2 (MANE Select); coding-DNA position 71022, T replaced by C.
Protein change: p.Leu23674=; no amino-acid change (leucine 23674 retained).
Molecular consequence: synonymous variant.
Genome position (GRCh38, 1-based): chr2:178,575,110, A>G on the plus strand (T>C on the coding strand, the complement: TTN is on the minus strand). VCF-style: chr2-178575110-A-G. GRCh37 (hg19) VCF-style: chr2-179439837-A-G.
Other names: c.66099T>C, p.Leu22033= (NM_001256850.1); c.43827T>C, p.Leu14609= (NM_003319.4); c.63318T>C, p.Leu21106= (NM_133378.4); c.44202T>C, p.Leu14734= (NM_133432.3); c.44403T>C, p.Leu14801= (NM_133437.4).
Identifiers: ClinVar variation 1161322 (VCV001161322.14), dbSNP rs201333699, ClinGen allele CA61002221.